The following is an entry in ClinVar:

ClinVar aggregate classification (germline): Pathogenic. Review status: criteria provided, multiple submitters, no conflicts (2 of 4 stars). 2 submissions from 2 submitters: Pathogenic (2). Last evaluated 2024-06-14.

Conditions:
Microcephaly, normal intelligence and immunodeficiency (NBS). Also called: Nijmegen breakage syndrome; Microcephaly with normal intelligence immunodeficiency and lymphoreticular malignancies; Nonsyndromal microcephaly autosomal recessive with normal intelligence; Seemanova syndrome 2; SEEMANOVA SYNDROME II; BERLIN BREAKAGE SYNDROME. Identifiers: Orphanet 647, MedGen C0398791, MONDO:0009623, OMIM 251260.

Submissions (2):

Myriad Genetics, Inc.
Classification: Pathogenic for Microcephaly, normal intelligence and immunodeficiency. Last evaluated: 2024-06-14. Review status: criteria provided, single submitter. Criteria: Myriad Autosomal Dominant, Autosomal Recessive and X-Linked Classification Criteria (2023). Collection method: clinical testing. Allele origin: unknown.
Comment: NM_002485.4(NBN):c.2165G>A(W722*) is expected to be pathogenic in the context of Nijmegen breakage syndrome. This variant is predicted to lead to an abnormal or absent protein product due to the creation of a premature termination codon in NBN, a gene where loss-of-function variants are known to be pathogenic. Please note: this variant was assessed in the context of healthy population screening.

Labcorp Genetics (formerly Invitae), Labcorp
Classification: Pathogenic for Microcephaly, normal intelligence and immunodeficiency. Last evaluated: 2023-04-22. Review status: criteria provided, single submitter. Criteria: Invitae Variant Classification Sherloc (09022015). Collection method: clinical testing. Allele origin: germline.
Comment: ClinVar contains an entry for this variant (Variation ID: 188259). For these reasons, this variant has been classified as Pathogenic. This sequence change creates a premature translational stop signal (p.Trp722*) in the NBN gene. It is expected to result in an absent or disrupted protein product. Loss-of-function variants in NBN are known to be pathogenic (PMID: 9590180, 16415040). This variant is not present in population databases (gnomAD no frequency). This variant has not been reported in the literature in individuals affected with NBN-related conditions.

Literature cited by the submitters: PubMed 9590180 (cited by Labcorp Genetics (formerly Invitae), Labcorp); PubMed 16415040 (cited by Labcorp Genetics (formerly Invitae), Labcorp).

NM_002485.5(NBN):c.2165G>A (p.Trp722Ter)

Gene: NBN (nibrin; minus strand). Cytogenetic location: 8q21.3.
Variant type: single nucleotide variant.
Coding change: c.2165G>A on transcript NM_002485.5 (MANE Select); coding-DNA position 2165, G replaced by A.
Protein change: p.Trp722Ter; replaces tryptophan 722 with a stop codon.
Molecular consequence: nonsense.
Genome position (GRCh38, 1-based): chr8:89,943,272, C>T on the plus strand (G>A on the coding strand, the complement: NBN is on the minus strand). VCF-style: chr8-89943272-C-T. GRCh37 (hg19) VCF-style: chr8-90955500-C-T.
Other names: c.1919G>A, p.Trp640Ter (NM_001024688.3); short protein forms W722*, W640*.
Identifiers: ClinVar variation 188259 (VCV000188259.9), dbSNP rs786204181, ClinGen allele CA334459.